The following is an entry in ClinVar:

ClinVar aggregate classification (germline): Uncertain significance (1 of 4 stars; one submission).

Conditions:
Hereditary spastic paraplegia 3A (SPG3A). Also called: Spastic paraplegia 3A, autosomal dominant; SPASTIC PARAPLEGIA 3, AUTOSOMAL DOMINANT; FAMILIAL SPASTIC PARAPLEGIA, AUTOSOMAL DOMINANT, 1; SPG3; STRUMPELL DISEASE; Spastic Paraplegia 3A. Identifiers: Orphanet 100984, MedGen C2931355, MONDO:0008437, OMIM 182600.

Submission:

Labcorp Genetics (formerly Invitae), Labcorp
Classification: Uncertain significance for Hereditary spastic paraplegia 3A. Last evaluated: 2021-05-30. Review status: criteria provided, single submitter. Criteria: Invitae Variant Classification Sherloc (09022015). Collection method: clinical testing. Allele origin: germline.
Comment: Nucleotide substitutions within the consensus splice site are a relatively common cause of aberrant splicing (PMID: 17576681, 9536098). Algorithms developed to predict the effect of sequence changes on RNA splicing suggest that this variant may disrupt the consensus splice site, but this prediction has not been confirmed by published transcriptional studies. In summary, the available evidence is currently insufficient to determine the role of this variant in disease. Therefore, it has been classified as a Variant of Uncertain Significance. This variant is not present in population databases (ExAC no frequency). Algorithms developed to predict the effect of missense changes on protein structure and function (SIFT, PolyPhen-2, Align-GVGD) all suggest that this variant is likely to be tolerated, but these predictions have not been confirmed by published functional studies and their clinical significance is uncertain. This variant has not been reported in the literature in individuals with ATL1-related conditions. This sequence change replaces glutamine with histidine at codon 94 of the ATL1 protein (p.Gln94His). The glutamine residue is moderately conserved and there is a small physicochemical difference between glutamine and histidine. This variant also falls at the last nucleotide of exon 2, which is part of the consensus splice site for this exon.

Literature cited by the submitters: PubMed 17576681; PubMed 9536098.

NM_015915.5(ATL1):c.282G>C (p.Gln94His)

Gene: ATL1 (atlastin GTPase 1; plus strand). Cytogenetic location: 14q22.1.
Variant type: single nucleotide variant.
Coding change: c.282G>C on transcript NM_015915.5 (MANE Select); coding-DNA position 282, G replaced by C.
Protein change: p.Gln94His; replaces glutamine 94 with histidine.
Molecular consequence: missense variant.
Genome position (GRCh38, 1-based): chr14:50,588,078, G>C. VCF-style: chr14-50588078-G-C. GRCh37 (hg19) VCF-style: chr14-51054796-G-C.
Other names: c.282G>C, p.Gln94His (NM_001127713.1, NM_181598.4); short protein forms Q94H.
Identifiers: ClinVar variation 1357552 (VCV001357552.8), dbSNP rs2140202008, ClinGen allele CA389666089.